The following is an entry in ClinVar:

ClinVar aggregate classification (germline): Uncertain significance (1 of 4 stars; one submission).

Submission:

Labcorp Genetics (formerly Invitae), Labcorp
Classification: Uncertain significance. Last evaluated: 2023-09-15. Review status: criteria provided, single submitter. Criteria: Invitae Variant Classification Sherloc (09022015). Collection method: clinical testing. Allele origin: germline.
Comment: In summary, the available evidence is currently insufficient to determine the role of this variant in disease. Therefore, it has been classified as a Variant of Uncertain Significance. Algorithms developed to predict the effect of missense changes on protein structure and function output the following: SIFT: "Not Available"; PolyPhen-2: "Benign"; Align-GVGD: "Not Available". The serine amino acid residue is found in multiple mammalian species, which suggests that this missense change does not adversely affect protein function. This variant has not been reported in the literature in individuals affected with MYLK3-related conditions. This variant is not present in population databases (gnomAD no frequency). This sequence change replaces proline, which is neutral and non-polar, with serine, which is neutral and polar, at codon 187 of the MYLK3 protein (p.Pro187Ser).

NM_182493.3(MYLK3):c.559C>T (p.Pro187Ser)

Gene: MYLK3 (myosin light chain kinase 3; minus strand). Cytogenetic location: 16q11.2.
Variant type: single nucleotide variant.
Coding change: c.559C>T on transcript NM_182493.3 (MANE Select); coding-DNA position 559, C replaced by T.
Protein change: p.Pro187Ser; replaces proline 187 with serine.
Molecular consequence: missense variant. On other transcripts: 5 prime UTR variant (1).
Genome position (GRCh38, 1-based): chr16:46,740,066, G>A on the plus strand (C>T on the coding strand, the complement: MYLK3 is on the minus strand). VCF-style: chr16-46740066-G-A. GRCh37 (hg19) VCF-style: chr16-46773978-G-A.
Other names: c.-32C>T (NM_001308301.1); short protein forms P187S.
Identifiers: ClinVar variation 2760808 (VCV002760808.3), dbSNP rs142022190, ClinGen allele CA395795836.